The following is an entry in ClinVar:

NM_000492.4(CFTR):c.3375A>G (p.Gly1125=)

Genes: CFTR (CF transmembrane conductance regulator; plus strand), CFTR-AS2 (CFTR antisense RNA 2; minus strand). Cytogenetic location: 7q31.2.
Variant type: single nucleotide variant.
Coding change: c.3375A>G on transcript NM_000492.4 (MANE Select); coding-DNA position 3375, A replaced by G.
Protein change: p.Gly1125=; no amino-acid change (glycine 1125 retained).
Molecular consequence: synonymous variant.
Genome position (GRCh38, 1-based): chr7:117,614,620, A>G. VCF-style: chr7-117614620-A-G. GRCh37 (hg19) VCF-style: chr7-117254674-A-G.
Other names: c.3375A>G (NM_000492.3).
Identifiers: ClinVar variation 1114773 (VCV001114773.11), dbSNP rs751140170, ClinGen allele CA4451452.

ClinVar aggregate classification (germline): Likely benign. Review status: criteria provided, single submitter (1 of 4 stars). 2 submissions from 2 submitters: Likely benign (1). 1 of the submissions does not count toward it. Last evaluated 2025-08-27.

Conditions:
CFTR-related disorder (CFTR-RD). Also called: CFTR-related condition; CFTR-related disorders. Identifiers: MedGen C5924204, MONDO:7770004.
Cystic fibrosis (CF). Also called: MUCOVISCIDOSIS. Identifiers: Orphanet 586, MedGen C0010674, MONDO:0009061, OMIM 219700. Disease mechanism: loss of function.

Allele frequency attached by ClinVar (database versions not stated): gnomAD exomes 0.00001; ExAC 0.00001.
gnomAD v4.1: 11 of 1,607,730 alleles (0.00068%); highest among the groups gnomAD compares: South Asian, 0.0077%; no homozygotes.

Submissions (2):

Labcorp Genetics (formerly Invitae), Labcorp
Classification: Likely benign for Cystic fibrosis. Last evaluated: 2025-08-27. Review status: criteria provided, single submitter. Criteria: Invitae Variant Classification Sherloc (09022015). Collection method: clinical testing. Allele origin: germline.

PreventionGenetics, part of Exact Sciences
Classification: Likely benign for CFTR-related condition. Last evaluated: 2022-03-16. Review status: no assertion criteria provided. Collection method: clinical testing. Allele origin: germline. Not counted in ClinVar's aggregate classification.
Comment: This variant is classified as likely benign based on ACMG/AMP sequence variant interpretation guidelines (Richards et al. 2015 PMID: 25741868, with internal and published modifications).